The following is an entry in ClinVar:

NM_170682.4(P2RX2):c.7delinsCT (p.Ala3fs)

Gene: P2RX2 (purinergic receptor P2X 2; plus strand). Cytogenetic location: 12q24.33.
Variant type: Indel.
Coding change: c.7delinsCT on transcript NM_170682.4 (MANE Select); coding-DNA position 7, G replaced by CT.
Protein change: p.Ala3fs; shifts the reading frame from alanine 3.
Molecular consequence: frameshift variant.
Genome position (GRCh38, 1-based): chr12:132,618,823, G replaced by CT. VCF-style: chr12-132618823-G-CT. GRCh37 (hg19) VCF-style: chr12-133195409-G-CT.
Other names: c.7delinsCT, p.Ala3fs (NM_001282164.2, NM_001282165.2, NM_012226.5 and 4 more transcripts); short protein forms A3fs.
Identifiers: ClinVar variation 4086595 (VCV004086595.1).
Genomic context (GRCh38, chr12:132,618,823, plus strand): 5'-GGGGCCGACCCTCAGCCCTGCAGCGCCTTCCTGGAGGTGGGGGCCGCCCGCGCCATGGCC[G>CT]CCGCCCAGCCCAAGTACCCCGCCGGGGCGACCGCCCGGCGCCTGGCCCGGGGCTGCTGGT-3'

ClinVar aggregate classification (germline): Uncertain significance (1 of 4 stars; one submission).

Submission:

GeneDx
Classification: Uncertain significance. Last evaluated: 2025-03-18. Review status: criteria provided, single submitter. Criteria: GeneDx Variant Classification Process June 2021. Collection method: clinical testing. Allele origin: germline. Affected: yes.
Comment: Frameshift variant predicted to result in protein truncation or nonsense mediated decay in a gene for which loss of function is a known mechanism of disease; Not observed at significant frequency in large population cohorts (gnomAD); Has not been previously published as pathogenic or benign to our knowledge